The following is an entry in ClinVar:

NM_004371.4(COPA):c.698G>A (p.Arg233His)

Gene: COPA (coat protein complex I subunit alpha; minus strand). Cytogenetic location: 1q23.2.
Variant type: single nucleotide variant.
Coding change: c.698G>A on transcript NM_004371.4 (MANE Select); coding-DNA position 698, G replaced by A.
Protein change: p.Arg233His; replaces arginine 233 with histidine.
Molecular consequence: missense variant.
Genome position (GRCh38, 1-based): chr1:160,323,439, C>T on the plus strand (G>A on the coding strand, the complement: COPA is on the minus strand). VCF-style: chr1-160323439-C-T. GRCh37 (hg19) VCF-style: chr1-160293229-C-T.
Other names: c.698G>A, p.Arg233His (NM_001098398.2, LRG_1336t1); short protein forms R233H.
Identifiers: ClinVar variation 199254 (VCV000199254.19), dbSNP rs794727993, ClinGen allele CA334830.

ClinVar aggregate classification (germline): Pathogenic/Likely pathogenic. Review status: criteria provided, multiple submitters, no conflicts (2 of 4 stars). 9 submissions from 9 submitters: Pathogenic (7); Likely pathogenic (1). 1 of the submissions does not count toward it. Last evaluated 2026-01-16.

Conditions:
COPA-related disorder. Also called: COPA-related condition.
Autoimmune interstitial lung disease-arthritis syndrome. Also called: Autoinflammation and autoimmunity, systemic, with immune dysregulation. Identifiers: Orphanet 444092, MedGen C5975714, MONDO:0014629.

Allele frequency attached by ClinVar (database versions not stated): TOPMed below 0.00001; gnomAD 0.00001.

Submissions (9):

Labcorp Genetics (formerly Invitae), Labcorp
Classification: Pathogenic for Autoimmune interstitial lung disease-arthritis syndrome. Last evaluated: 2026-01-16. Review status: criteria provided, single submitter. Criteria: Invitae Variant Classification Sherloc (09022015). Collection method: clinical testing. Allele origin: germline.
Comment: This sequence change replaces arginine, which is basic and polar, with histidine, which is basic and polar, at codon 233 of the COPA protein (p.Arg233His). This variant is not present in population databases (gnomAD no frequency). This missense change has been observed in individual(s) with autoimmune-mediated lung disease and arthritis (PMID: 25894502). It has also been observed to segregate with disease in related individuals. ClinVar contains an entry for this variant (Variation ID: 199254). Invitae Evidence Modeling of protein sequence and biophysical properties (such as structural, functional, and spatial information, amino acid conservation, physicochemical variation, residue mobility, and thermodynamic stability) indicates that this missense variant is expected to disrupt COPA protein function with a positive predictive value of 80%. Experimental studies have shown that this missense change affects COPA function (PMID: 25894502). For these reasons, this variant has been classified as Pathogenic.

GeneDx
Classification: Likely pathogenic. Last evaluated: 2025-11-05. Review status: criteria provided, single submitter. Criteria: GeneDx Variant Classification Process June 2021. Collection method: clinical testing. Allele origin: germline. Affected: yes.
Comment: In silico analysis supports that this missense variant has a deleterious effect on protein structure/function; Not observed at significant frequency in large population cohorts (gnomAD); This variant is associated with the following publications: (PMID: 29030294, 25894502, 27577878, 30385646, 32725128, Mertens2023[poster], 38195643, 37877458, 36748043, 38676816, 31449490, 31666386, 35484149, 31440710, 33397928)

Laboratorio de Genetica e Diagnostico Molecular, Hospital Israelita Albert Einstein
Classification: Pathogenic for Autoinflammation and autoimmunity with immune dysregulation 1. Last evaluated: 2023-03-28. Review status: criteria provided, single submitter. Criteria: ACMG Guidelines, 2015. Collection method: clinical testing. Allele origin: germline. Affected: yes.
Comment: ACMG classification criteria: PS3 supporting, PS4 moderate, PM2 moderate, PP1 strong, PP2 supporting, PP3 supporting

Center for Personalized Medicine, Children's Hospital Los Angeles
Classification: Pathogenic. Last evaluated: 2022-12-21. Review status: criteria provided, single submitter. Criteria: ACMG Guidelines, 2015. Collection method: clinical testing. Allele origin: inherited. Affected: yes.

Blueprint Genetics
Classification: Pathogenic for COPA-related disorders. Last evaluated: 2021-02-19. Review status: criteria provided, single submitter. Criteria: ACMG Guidelines, 2015. Collection method: clinical testing. Allele origin: germline. Affected: yes. Observed: 1 variant allele.

Clinical Molecular Genetics Laboratory, Johns Hopkins All Children's Hospital
Classification: Pathogenic for Autoimmune interstitial lung, joint, and kidney disease. Last evaluated: 2019-08-01. Review status: criteria provided, single submitter. Criteria: ACMG Guidelines, 2015. Collection method: clinical testing. Allele origin: germline. Inheritance: Autosomal dominant inheritance. Affected: yes. Observed: 1 heterozygote.
Comment: identified in different affected members of same family

Baylor Genetics
Classification: Pathogenic for Autoinflammation and autoimmunity with immune dysregulation 1. Last evaluated: 2018-05-07. Review status: criteria provided, single submitter. Criteria: ACMG Guidelines, 2015. Collection method: clinical testing. Allele origin: paternal. Affected: yes.
Comment: This variant was determined to be pathogenic according to ACMG Guidelines, 2015 [PMID:25741868]. This variant has been previously reported as disease causing in multiple individuals from two unrelated families with autoimmune disease and functional studies showed that this mutation causes increased ER stress [PMID 25894502, 27577878]

Lupski Lab, Baylor-Hopkins CMG, Baylor College of Medicine
Classification: Pathogenic for Autoinflammation and autoimmunity with immune dysregulation 1. Last evaluated: 2015-04-20. Review status: criteria provided, single submitter. Criteria: Watkin et al. (Nat Genet 2015). Collection method: research. Allele origin: inherited. Inheritance: Autosomal dominant inheritance. Affected: yes and no. Observed: 9 variant alleles, 9 heterozygotes.
Comment: Segregates with the phenotype in two affected families. One family showed incomplete penetrance, with one unaffected carrier over four generations.

OMIM
Classification: Pathogenic for AUTOINFLAMMATION AND AUTOIMMUNITY, SYSTEMIC, WITH IMMUNE DYSREGULATION 1. Last evaluated: 2015-06-01. Review status: no assertion criteria provided. Collection method: literature only. Allele origin: germline. Not counted in ClinVar's aggregate classification.

Literature cited by the submitters: PubMed 25894502 (cited by 3 submitters); PubMed 27577878 (cited by Baylor Genetics).